The following is an entry in ClinVar:

ClinVar aggregate classification (germline): Conflicting classifications of pathogenicity. Review status: criteria provided, conflicting classifications (1 of 4 stars). 4 submissions from 4 submitters: Uncertain significance (1); Likely benign (3). Last evaluated 2025-08-01.

Conditions:
Hereditary cancer-predisposing syndrome. Also called: Tumor predisposition; Hereditary Cancer Syndrome; Hereditary neoplastic syndrome; Neoplastic Syndromes, Hereditary. Identifiers: Orphanet 140162, MedGen C0027672, MeSH D009386, MONDO:0015356.
Hereditary breast ovarian cancer syndrome. Also called: BRCA1- and BRCA2-Associated Hereditary Breast and Ovarian Cancer; Hereditary breast and ovarian cancer; Hereditary breast and ovarian cancer syndrome; Hereditary breast and ovarian cancer syndrome (HBOC); Breast and ovarian cancer; Hereditary breast and/or ovarian cancer syndrome. Identifiers: Orphanet 145, MedGen C0677776, MeSH D061325, MONDO:0003582. Disease mechanism: loss of function.

Submissions (4):

Ambry Genetics
Classification: Likely benign for Hereditary cancer-predisposing syndrome. Last evaluated: 2025-08-01. Review status: criteria provided, single submitter. Criteria: Ambry Variant Classification Scheme 2023. Collection method: clinical testing. Allele origin: germline.

Mayo Clinic Laboratories, Mayo Clinic
Classification: Likely benign. Last evaluated: 2024-12-24. Review status: criteria provided, single submitter. Criteria: ACMG Guidelines, 2015. Collection method: clinical testing. Allele origin: germline. Observed: 1 variant allele.
Comment: BP1_strong, PM2_supporting

University of Washington Department of Laboratory Medicine, University of Washington
Classification: Likely benign for Hereditary cancer-predisposing syndrome. Last evaluated: 2023-03-23. Review status: criteria provided, single submitter. Criteria: Dines et al. (Genet Med. 2020). Collection method: curation. Allele origin: germline.
Comment: Missense variant in a coldspot region where missense variants are very unlikely to be pathogenic (PMID:31911673).

BRCA2 exon 10 coldspot. Reclassification based on statistical prior probability.

Labcorp Genetics (formerly Invitae), Labcorp
Classification: Uncertain significance for Hereditary breast ovarian cancer syndrome. Last evaluated: 2021-11-19. Review status: criteria provided, single submitter. Criteria: Invitae Variant Classification Sherloc (09022015). Collection method: clinical testing. Allele origin: germline.
Comment: This sequence change replaces threonine, which is neutral and polar, with proline, which is neutral and non-polar, at codon 533 of the BRCA2 protein (p.Thr533Pro). This variant is not present in population databases (gnomAD no frequency). This variant has not been reported in the literature in individuals affected with BRCA2-related conditions. Advanced modeling of protein sequence and biophysical properties (such as structural, functional, and spatial information, amino acid conservation, physicochemical variation, residue mobility, and thermodynamic stability) performed at Invitae indicates that this missense variant is not expected to disrupt BRCA2 protein function. In summary, the available evidence is currently insufficient to determine the role of this variant in disease. Therefore, it has been classified as a Variant of Uncertain Significance.

NM_000059.4(BRCA2):c.1597A>C (p.Thr533Pro)

Gene: BRCA2 (BRCA2 DNA repair associated; plus strand). Cytogenetic location: 13q13.1.
Variant type: single nucleotide variant.
Coding change: c.1597A>C on transcript NM_000059.4 (MANE Select); coding-DNA position 1597, A replaced by C.
Protein change: p.Thr533Pro; replaces threonine 533 with proline.
Molecular consequence: missense variant.
Genome position (GRCh38, 1-based): chr13:32,333,075, A>C. VCF-style: chr13-32333075-A-C. GRCh37 (hg19) VCF-style: chr13-32907212-A-C.
Other names: p.Thr533Pro; c.1597A>C (NM_000059.3); short protein forms T533P.
Identifiers: ClinVar variation 1468664 (VCV001468664.9), dbSNP rs1555281980, ClinGen allele CA387764819.
Genomic context (GRCh38, chr13:32,333,075, plus strand): 5'-AAAGAGACTTTCAATGCAAGTTTTTCAGGTCATATGACTGATCCAAACTTTAAAAAAGAA[A>C]CTGAAGCCTCTGAAAGTGGACTGGAAATACATACTGTTTGCTCACAGAAGGAGGACTCCT-3'
Protein context (NP_000050.3, residues 523-543): HMTDPNFKKE[Thr533Pro]EASESGLEIH